The following is an entry in ClinVar:

ClinVar aggregate classification (germline): Uncertain significance (1 of 4 stars; one submission).

Allele frequency attached by ClinVar (database versions not stated): gnomAD exomes below 0.00001; ExAC 0.00001.

Submission:

Labcorp Genetics (formerly Invitae), Labcorp
Classification: Uncertain significance. Last evaluated: 2024-05-06. Review status: criteria provided, single submitter. Criteria: Invitae Variant Classification Sherloc (09022015). Collection method: clinical testing. Allele origin: germline.
Comment: This sequence change replaces arginine, which is basic and polar, with tryptophan, which is neutral and slightly polar, at codon 731 of the DNM1L protein (p.Arg731Trp). This variant is present in population databases (rs750745310, gnomAD 0.006%). This variant has not been reported in the literature in individuals affected with DNM1L-related conditions. An algorithm developed to predict the effect of missense changes on protein structure and function (PolyPhen-2) suggests that this variant is likely to be disruptive. In summary, the available evidence is currently insufficient to determine the role of this variant in disease. Therefore, it has been classified as a Variant of Uncertain Significance.

NM_012062.5(DNM1L):c.2191C>T (p.Arg731Trp)

Gene: DNM1L (dynamin 1 like; plus strand). Cytogenetic location: 12p11.21.
Variant type: single nucleotide variant.
Coding change: c.2191C>T on transcript NM_012062.5 (MANE Select); coding-DNA position 2191, C replaced by T.
Protein change: p.Arg731Trp; replaces arginine 731 with tryptophan.
Molecular consequence: missense variant.
Genome position (GRCh38, 1-based): chr12:32,743,390, C>T. VCF-style: chr12-32743390-C-T. GRCh37 (hg19) VCF-style: chr12-32896324-C-T.
Other names: c.2158C>T, p.Arg720Trp (NM_001278463.2); c.2230C>T, p.Arg744Trp (NM_001278464.2); c.2197C>T, p.Arg733Trp (NM_001278465.2); c.1582C>T, p.Arg528Trp (NM_001278466.2); c.2119C>T, p.Arg707Trp (NM_001330380.2); c.2080C>T, p.Arg694Trp (NM_005690.5); c.2113C>T, p.Arg705Trp (NM_012063.4); short protein forms R707W, R720W, R731W, R528W, R694W, R733W, R744W, R705W.
Identifiers: ClinVar variation 2727986 (VCV002727986.3), dbSNP rs750745310, ClinGen allele CA6507805.